The following is an entry in ClinVar:

ClinVar aggregate classification (germline): Benign (1 of 4 stars; one submission).

Allele frequency attached by ClinVar (database versions not stated): ESP Exome Variant Server 0.24516; gnomAD 0.25333; TOPMed 0.26162; 1000 Genomes Project 30x 0.28998; 1000 Genomes Project 0.29133.

Submission:

Unidad de Genómica Garrahan, Hospital de Pediatría Garrahan
Classification: Benign. Last evaluated: 2023-11-12. Review status: criteria provided, single submitter. Criteria: ACMG Guidelines, 2015. Collection method: clinical testing. Allele origin: germline. Affected: no. Observed: 35 variant alleles.
Comment: This variant is classified as Benign based on local population frequency. This variant was detected in 36% of patients studied by a panel of primary immunodeficiencies. Number of patients: 35. Only high quality variants are reported.

NM_001322934.2(NFKB2):c.662-27T>G

Genes: NFKB2 (nuclear factor kappa B subunit 2; plus strand), LOC121815964 (Sharpr-MPRA regulatory region 13585; plus strand). Cytogenetic location: 10q24.32.
Variant type: single nucleotide variant.
Coding change: c.662-27T>G on transcript NM_001322934.2 (MANE Select); 27 bases into the intron before coding-DNA position 662, T replaced by G.
Molecular consequence: intron variant.
Genome position (GRCh38, 1-based): chr10:102,397,954, T>G. VCF-style: chr10-102397954-T-G. GRCh37 (hg19) VCF-style: chr10-104157711-T-G.
Other names: c.662-27T>G (NM_001288724.1, NM_001322935.1, NM_001077494.3 and 2 more transcripts).
Identifiers: ClinVar variation 2628219 (VCV002628219.2), dbSNP rs7897947, ClinGen allele CA5664616.
Genomic context (GRCh38, chr10:102,397,954, plus strand): 5'-CTGAGATAAGGAATACAAAGCCCCCAGCTTCTTAAATGTGGCCTTGGCTATTGCATCATC[T>G]CAACTAATCCATATCCCACTCCATAGAATCTCCGGGGGCATCAAACCTGAAGATTTCTCG-3'